The following is an entry in ClinVar:

ClinVar aggregate classification (somatic clinical impact): Tier II - Potential (1 of 4 stars; one submission).

Conditions:
Neuroblastoma (NB). Identifiers: Orphanet 635, MedGen C0027819, MeSH D009447, MONDO:0005072, HP:0003006.

Submission:

Institute for Genomic Medicine (IGM) Clinical Laboratory, Nationwide Children's Hospital
Classification: Tier II - Potential for Neuroblastoma. Assertion type: diagnostic. Clinical significance: supports diagnosis. Last evaluated: 2025-04-29. Review status: criteria provided, single submitter. Criteria: AMP/ASCO/CAP Guidelines, 2017. Collection method: clinical testing. Allele origin: somatic. Affected: yes.
Comment: Variant has Tier II (potential) clinical significance as a diagnostic inclusion criterion in neuroblastoma, based on the following evidence: 1) Appears in one or more well-established professional guidelines (e.g., World Health Organization [WHO]; National Comprehensive Cancer Network [NCCN]) as providing diagnostic, prognostic, or therapeutic information. 2) Diagnostic significance based on multiple small studies (Evidence Level C; PMIDs: 22416102, 23334666, 33056981, 25487495, 30523111, 32291317, 32060267, 35384159).

Literature cited by the submitters: PubMed 22416102; PubMed 23334666; PubMed 33056981; PubMed 25487495; PubMed 30523111; PubMed 32291317; PubMed 32060267; PubMed 35384159.

NM_000489.6(ATRX):c.4214+3A>T

Gene: ATRX (ATRX chromatin remodeler; minus strand). Cytogenetic location: Xq21.1.
Variant type: single nucleotide variant.
Coding change: c.4214+3A>T on transcript NM_000489.6 (MANE Select); 3 bases into the intron after coding-DNA position 4214, A replaced by T.
Molecular consequence: intron variant.
Genome position (GRCh38, 1-based): chrX:77,656,557, T>A on the plus strand (A>T on the coding strand, the complement: ATRX is on the minus strand). VCF-style: chrX-77656557-T-A. GRCh37 (hg19) VCF-style: chrX-76912047-T-A.
Other names: c.4100+3A>T (NM_138270.5).
Identifiers: ClinVar variation 4530229 (VCV004530229.1).